The following is an entry in ClinVar:

ClinVar aggregate classification (germline): Uncertain significance (1 of 4 stars; one submission).

Submission:

GeneDx
Classification: Uncertain significance. Last evaluated: 2019-06-06. Review status: criteria provided, single submitter. Criteria: GeneDx Variant Classification Process June 2021. Collection method: clinical testing. Allele origin: germline. Affected: yes.
Comment: Not observed in large population cohorts (Lek et al., 2016); In silico analysis, which includes protein predictors and evolutionary conservation, supports that this variant does not alter protein structure/function; Has not been previously published as pathogenic or benign to our knowledge

NM_001348323.3(TRIP12):c.5783A>G (p.His1928Arg)

Gene: TRIP12 (thyroid hormone receptor interactor 12; minus strand). Cytogenetic location: 2q36.3.
Variant type: single nucleotide variant.
Coding change: c.5783A>G on transcript NM_001348323.3 (MANE Select); coding-DNA position 5783, A replaced by G.
Protein change: p.His1928Arg; replaces histidine 1928 with arginine.
Molecular consequence: missense variant.
Genome position (GRCh38, 1-based): chr2:229,771,544, T>C on the plus strand (A>G on the coding strand, the complement: TRIP12 is on the minus strand). VCF-style: chr2-229771544-T-C. GRCh37 (hg19) VCF-style: chr2-230636260-T-C.
Other names: c.5702A>G, p.His1901Arg (NM_001284214.2, NM_001348315.2); c.5657A>G, p.His1886Arg (NM_001284215.2, NM_001348316.2); c.4748A>G, p.His1583Arg (NM_001284216.2); c.5642A>G, p.His1881Arg (NM_001348317.1, NM_001348318.2); c.5768A>G, p.His1923Arg (NM_001348319.1, NM_001348320.2); c.5771A>G, p.His1924Arg (NM_001348321.1); c.5783A>G, p.His1928Arg (NM_001348322.1, NM_001348324.2, NM_001348325.2 and 2 more transcripts); c.5786A>G, p.His1929Arg (NM_001348328.1, NM_001348329.2, NM_001348330.2); and 4 more; short protein forms H1901R, H1902R, H1923R, H1924R, H1928R, H1929R, H1583R, H1853R.
Identifiers: ClinVar variation 1302188 (VCV001302188.2), dbSNP rs2154234444, ClinGen allele CA350884121.